The following is an entry in ClinVar:

ClinVar aggregate classification (germline): Uncertain significance (1 of 4 stars; one submission).

Conditions:
Hypertrophic cardiomyopathy 26. Also called: Cardiomyopathy, familial hypertrophic, 26. Identifiers: Orphanet 75249, MedGen C4310749, MONDO:0014883, OMIM 617047.
Myofibrillar myopathy 5. Also called: Filaminopathy (type); FILAMINOPATHY, AUTOSOMAL DOMINANT. Identifiers: Orphanet 171445, MedGen C1836050, MONDO:0012289, OMIM 609524.
Distal myopathy with posterior leg and anterior hand involvement. Also called: WILLIAMS DISTAL MYOPATHY. Identifiers: Orphanet 63273, MedGen C3279722, MONDO:0013550, OMIM 614065.

Submission:

Labcorp Genetics (formerly Invitae), Labcorp
Classification: Uncertain significance for Distal myopathy with posterior leg and anterior hand involvement; Myofibrillar myopathy 5; Hypertrophic cardiomyopathy 26. Last evaluated: 2024-08-31. Review status: criteria provided, single submitter. Criteria: Invitae Variant Classification Sherloc (09022015). Collection method: clinical testing. Allele origin: germline.
Comment: This sequence change replaces threonine, which is neutral and polar, with isoleucine, which is neutral and non-polar, at codon 1283 of the FLNC protein (p.Thr1283Ile). This variant is not present in population databases (gnomAD no frequency). This variant has not been reported in the literature in individuals affected with FLNC-related conditions. Invitae Evidence Modeling of protein sequence and biophysical properties (such as structural, functional, and spatial information, amino acid conservation, physicochemical variation, residue mobility, and thermodynamic stability) has been performed for this missense variant. However, the output from this modeling did not meet the statistical confidence thresholds required to predict the impact of this variant on FLNC protein function. In summary, the available evidence is currently insufficient to determine the role of this variant in disease. Therefore, it has been classified as a Variant of Uncertain Significance.

NM_001458.5(FLNC):c.3848C>T (p.Thr1283Ile)

Gene: FLNC (filamin C; plus strand). Cytogenetic location: 7q32.1.
Variant type: single nucleotide variant.
Coding change: c.3848C>T on transcript NM_001458.5 (MANE Select); coding-DNA position 3848, C replaced by T.
Protein change: p.Thr1283Ile; replaces threonine 1283 with isoleucine.
Molecular consequence: missense variant.
Genome position (GRCh38, 1-based): chr7:128,846,047, C>T. VCF-style: chr7-128846047-C-T. GRCh37 (hg19) VCF-style: chr7-128486101-C-T.
Other names: c.3848C>T, p.Thr1283Ile (NM_001127487.2); short protein forms T1283I.
Identifiers: ClinVar variation 3749546 (VCV003749546.2).
Genomic context (GRCh38, chr7:128,846,047, plus strand): 5'-CAGGTGTCCTGCGGGAGGTGACCACTGAGTTCACTGTGGATGCAAGATCCCTAACAGCCA[C>T]AGGCGGCAACCACGTGACGGCTCGTGTGCTCAACCCCTCGGGGGCCAAGACAGACACCTA-3'
Protein context (NP_001449.3, residues 1273-1293): FTVDARSLTA[Thr1283Ile]GGNHVTARVL